The following is an entry in ClinVar:

NM_000368.5(TSC1):c.-5A>G

Gene: TSC1 (TSC complex subunit 1; minus strand). Cytogenetic location: 9q34.13.
Variant type: single nucleotide variant.
Coding change: c.-5A>G on transcript NM_000368.5 (MANE Select); 5 bases upstream of the start codon, A replaced by G.
Molecular consequence: 5 prime UTR variant.
Genome position (GRCh38, 1-based): chr9:132,928,877, T>C on the plus strand (A>G on the coding strand, the complement: TSC1 is on the minus strand). VCF-style: chr9-132928877-T-C. GRCh37 (hg19) VCF-style: chr9-135804264-T-C.
Other names: c.-5A>G (NM_001162426.2, NM_001162427.2, NM_000368.4); c.-264A>G (NM_001362177.2).
Identifiers: ClinVar variation 1299162 (VCV001299162.36), dbSNP rs1323766758, ClinGen allele CA591051808.

ClinVar aggregate classification (germline): Conflicting classifications of pathogenicity. Review status: criteria provided, conflicting classifications (1 of 4 stars). 2 submissions from 2 submitters: Uncertain significance (1); Likely benign (1). Last evaluated 2025-02-28.

Conditions:
Hereditary cancer-predisposing syndrome. Also called: Neoplastic Syndromes, Hereditary; Hereditary Cancer Syndrome; Hereditary neoplastic syndrome; Tumor predisposition. Identifiers: Orphanet 140162, MedGen C0027672, MeSH D009386, MONDO:0015356.

Allele frequency attached by ClinVar (database versions not stated): gnomAD exomes below 0.00001.
gnomAD v4.1: 1 of 1,614,084 alleles (0.000062%); highest among the groups gnomAD compares: Non-Finnish European, 0.000085%; no homozygotes.

Submissions (2):

Ambry Genetics
Classification: Uncertain significance for Hereditary cancer-predisposing syndrome. Last evaluated: 2025-02-28. Review status: criteria provided, single submitter. Criteria: Ambry Variant Classification Scheme 2023. Collection method: clinical testing. Allele origin: germline.
Comment: The c.-5A>G variant is located in the 5' untranslated region (5&rsquo; UTR) of the TSC1 gene. This variant results from an A to G substitution 5 bases upstream from the first translated codon. This nucleotide position is well conserved in available vertebrate species. Based on the available evidence, the clinical significance of this variant remains unclear.

CeGaT Center for Human Genetics Tuebingen
Classification: Likely benign. Last evaluated: 2023-01-01. Review status: criteria provided, single submitter. Criteria: CeGaT Center For Human Genetics Tuebingen Variant Classification Criteria Version 2. Collection method: clinical testing. Allele origin: germline. Affected: yes. Observed: 2 variant alleles.
Comment: TSC1: BP4